The following is an entry in ClinVar:

NM_017617.5(NOTCH1):c.3285C>G (p.Asp1095Glu)

Gene: NOTCH1 (notch receptor 1; minus strand). Cytogenetic location: 9q34.3.
Variant type: single nucleotide variant.
Coding change: c.3285C>G on transcript NM_017617.5 (MANE Select); coding-DNA position 3285, C replaced by G.
Protein change: p.Asp1095Glu; replaces aspartic acid 1095 with glutamic acid.
Molecular consequence: missense variant.
Genome position (GRCh38, 1-based): chr9:136,508,272, G>C on the plus strand (C>G on the coding strand, the complement: NOTCH1 is on the minus strand). VCF-style: chr9-136508272-G-C. GRCh37 (hg19) VCF-style: chr9-139402724-G-C.
Other names: short protein forms D1095E.
Identifiers: ClinVar variation 3300450 (VCV003300450.1).

ClinVar aggregate classification (germline): Uncertain significance (1 of 4 stars; one submission).

Conditions:
Familial thoracic aortic aneurysm and aortic dissection (TAAD). Also called: Thoracic aortic aneurysms and dissections. Identifiers: Orphanet 91387, MedGen C4707243, MONDO:0019625.

gnomAD v4.1: 1 of 1,612,788 alleles (0.000062%); highest among the groups gnomAD compares: Non-Finnish European, 0.000085%; no homozygotes.

Submission:

Ambry Genetics
Classification: Uncertain significance for Familial thoracic aortic aneurysm and aortic dissection. Last evaluated: 2024-04-09. Review status: criteria provided, single submitter. Criteria: Ambry Variant Classification Scheme 2023. Collection method: clinical testing. Allele origin: germline.
Comment: The p.D1095E variant (also known as c.3285C>G), located in coding exon 20 of the NOTCH1 gene, results from a C to G substitution at nucleotide position 3285. The aspartic acid at codon 1095 is replaced by glutamic acid, an amino acid with highly similar properties. This amino acid position is conserved. In addition, this alteration is predicted to be tolerated by in silico analysis. Based on the available evidence, the clinical significance of this variant remains unclear.